The following is an entry in ClinVar:

ClinVar aggregate classification (germline): Uncertain significance. Review status: criteria provided, multiple submitters, no conflicts (2 of 4 stars). 2 submissions from 2 submitters: Uncertain significance (2). Last evaluated 2025-02-27.

Conditions:
Aicardi-Goutieres syndrome 2. Identifiers: Orphanet 51, MedGen C3489724, MONDO:0012429, OMIM 610181.

Allele frequency attached by ClinVar (database versions not stated): gnomAD exomes below 0.00001; TOPMed below 0.00001; gnomAD 0.00001.
gnomAD v4.1: 18 of 1,606,468 alleles (0.0011%); highest among the groups gnomAD compares: Non-Finnish European, 0.0014%; no homozygotes.

Submissions (2):

Mayo Clinic Laboratories, Mayo Clinic
Classification: Uncertain significance. Last evaluated: 2025-02-27. Review status: criteria provided, single submitter. Criteria: ACMG Guidelines, 2015. Collection method: clinical testing. Allele origin: germline. Observed: 1 variant allele.
Comment: PM2_supporting

Labcorp Genetics (formerly Invitae), Labcorp
Classification: Uncertain significance for Aicardi-Goutieres syndrome 2. Last evaluated: 2021-12-03. Review status: criteria provided, single submitter. Criteria: Invitae Variant Classification Sherloc (09022015). Collection method: clinical testing. Allele origin: germline.
Comment: This sequence change replaces glutamic acid, which is acidic and polar, with aspartic acid, which is acidic and polar, at codon 143 of the RNASEH2B protein (p.Glu143Asp). This variant is present in population databases (rs754434417, gnomAD 0.002%). This variant has not been reported in the literature in individuals affected with RNASEH2B-related conditions. ClinVar contains an entry for this variant (Variation ID: 1035968). Algorithms developed to predict the effect of missense changes on protein structure and function output the following: SIFT: "Tolerated"; PolyPhen-2: "Benign"; Align-GVGD: "Class C0". The aspartic acid amino acid residue is found in multiple mammalian species, which suggests that this missense change does not adversely affect protein function. In summary, the available evidence is currently insufficient to determine the role of this variant in disease. Therefore, it has been classified as a Variant of Uncertain Significance.

NM_024570.4(RNASEH2B):c.429G>C (p.Glu143Asp)

Gene: RNASEH2B (ribonuclease H2 subunit B; plus strand). Cytogenetic location: 13q14.3.
Variant type: single nucleotide variant.
Coding change: c.429G>C on transcript NM_024570.4 (MANE Select); coding-DNA position 429, G replaced by C.
Protein change: p.Glu143Asp; replaces glutamic acid 143 with aspartic acid.
Molecular consequence: missense variant.
Genome position (GRCh38, 1-based): chr13:50,934,992, G>C. VCF-style: chr13-50934992-G-C. GRCh37 (hg19) VCF-style: chr13-51509128-G-C.
Other names: p.Glu143Asp; c.429G>C, p.Glu143Asp (NM_001142279.2); short protein forms E143D.
Identifiers: ClinVar variation 1035968 (VCV001035968.5), dbSNP rs754434417, ClinGen allele CA249997152.